The following is an entry in ClinVar:

ClinVar aggregate classification (germline): Uncertain significance. Review status: criteria provided, multiple submitters, no conflicts (2 of 4 stars). 4 submissions from 4 submitters: Uncertain significance (3). 1 of the submissions does not count toward it. Last evaluated 2025-12-11.

Conditions:
Usher syndrome type 1 (USH1). Also called: RETINITIS PIGMENTOSA AND CONGENITAL DEAFNESS. Identifiers: Orphanet 231169, Orphanet 886, MedGen C1568247, MONDO:0010168, OMIM 276900.
Inborn genetic diseases. Identifiers: MedGen C0950123, MeSH D030342.

Allele frequency attached by ClinVar (database versions not stated): gnomAD exomes 0.00001 and 0.00002; ExAC 0.00003; TOPMed 0.00003.
gnomAD v4.1: 19 of 1,613,196 alleles (0.0012%); highest among the groups gnomAD compares: Admixed American, 0.0033%; no homozygotes.

Submissions (4):

Ambry Genetics
Classification: Uncertain significance for Inborn genetic diseases. Last evaluated: 2025-12-11. Review status: criteria provided, single submitter. Criteria: Ambry Variant Classification Scheme 2023. Collection method: clinical testing. Allele origin: germline.

Blueprint Genetics
Classification: Uncertain significance. Last evaluated: 2024-01-11. Review status: criteria provided, single submitter. Criteria: ACMG Guidelines, 2015. Collection method: clinical testing. Allele origin: germline.

Labcorp Genetics (formerly Invitae), Labcorp
Classification: Uncertain significance. Last evaluated: 2022-05-24. Review status: criteria provided, single submitter. Criteria: Invitae Variant Classification Sherloc (09022015). Collection method: clinical testing. Allele origin: germline.
Comment: This sequence change replaces glutamic acid, which is acidic and polar, with lysine, which is basic and polar, at codon 660 of the CDH23 protein (p.Glu660Lys). This variant is present in population databases (rs762287437, gnomAD 0.006%). This variant has not been reported in the literature in individuals affected with CDH23-related conditions. ClinVar contains an entry for this variant (Variation ID: 991911). Algorithms developed to predict the effect of missense changes on protein structure and function are either unavailable or do not agree on the potential impact of this missense change (SIFT: "Deleterious"; PolyPhen-2: "Not Available"; Align-GVGD: "Class C55"). In summary, the available evidence is currently insufficient to determine the role of this variant in disease. Therefore, it has been classified as a Variant of Uncertain Significance.

Natera, Inc.
Classification: Uncertain significance for Usher syndrome type 1. Last evaluated: 2020-04-15. Review status: no assertion criteria provided. Collection method: clinical testing. Allele origin: germline. Not counted in ClinVar's aggregate classification.

NM_022124.6(CDH23):c.1978G>A (p.Glu660Lys)

Gene: CDH23 (cadherin related 23; plus strand). Cytogenetic location: 10q22.1.
Variant type: single nucleotide variant.
Coding change: c.1978G>A on transcript NM_022124.6 (MANE Select); coding-DNA position 1978, G replaced by A.
Protein change: p.Glu660Lys; replaces glutamic acid 660 with lysine.
Molecular consequence: missense variant.
Genome position (GRCh38, 1-based): chr10:71,682,564, G>A. VCF-style: chr10-71682564-G-A. GRCh37 (hg19) VCF-style: chr10-73442321-G-A.
Other names: c.1978G>A (NM_022124.5); c.1978G>A, p.Glu660Lys (NM_001171930.2, NM_001171931.2); short protein forms E660K.
Identifiers: ClinVar variation 991911 (VCV000991911.5), dbSNP rs762287437, ClinGen allele CA5544026.